The following is an entry in ClinVar:

NM_201525.4(ADGRG1):c.1933+2T>C

Gene: ADGRG1 (adhesion G protein-coupled receptor G1; plus strand). Cytogenetic location: 16q21.
Variant type: single nucleotide variant.
Coding change: c.1933+2T>C on transcript NM_201525.4 (MANE Select); the canonical splice donor site of the intron after coding-DNA position 1933, T replaced by C.
Molecular consequence: splice donor variant.
Genome position (GRCh38, 1-based): chr16:57,661,967, T>C. VCF-style: chr16-57661967-T-C. GRCh37 (hg19) VCF-style: chr16-57695879-T-C.
Other names: c.1933+2T>C (NM_001370440.1, NM_001370436.1, NM_001370438.1 and 7 more transcripts); c.1951+2T>C (NM_001370428.1, NM_001370430.1, NM_001370431.1 and 4 more transcripts); c.1441+2T>C (NM_001290142.2); c.1408+2T>C (NM_001370451.1, NM_001370453.1, NM_001370454.1 and 1 more transcripts); c.1426+2T>C (NM_001290143.2); c.1948+2T>C (NM_001370434.1, NM_001370433.1, NM_001145773.3); c.1777+2T>C (NM_001370442.1); c.1930+2T>C (NM_001370441.1).
Identifiers: ClinVar variation 4815450 (VCV004815450.1).

ClinVar aggregate classification (germline): Likely pathogenic (1 of 4 stars; one submission).

Conditions:
Bilateral frontoparietal polymicrogyria. Also called: CEREBELLAR ATAXIA WITH NEURONAL MIGRATION DEFECT; CORTICAL DYSPLASIA, COMPLEX, WITH OTHER BRAIN MALFORMATIONS 14A (BILATERAL FRONTOPARIETAL). Identifiers: Orphanet 101070, MedGen C1847352, MONDO:0011738, OMIM 606854.

Submission:

Natera, Inc.
Classification: Likely pathogenic for Bilateral frontoparietal polymicrogyria. Last evaluated: 2025-02-17. Review status: criteria provided, single submitter. Criteria: Natera Variant Classification Schema (03/2026). Collection method: clinical testing. Allele origin: germline.
Comment: The c.1951+2T>C variant in ADGRG1 is a canonical splice donor site variant predicted to affect pre-mRNA splicing, which may result in an abnormal transcript and altered protein product. This variant is expected to result in nonsense mediated decay, truncation, or a dysfunctional protein product. This variant is rare in the general population with a frequency below the threshold expected for the associated phenotype(s). Given the available evidence, this variant is classified as Likely Pathogenic.